The following is an entry in ClinVar:

ClinVar aggregate classification (germline): Uncertain significance (1 of 4 stars; one submission).

Conditions:
Hereditary breast ovarian cancer syndrome. Also called: Hereditary breast and ovarian cancer syndrome (HBOC); Breast and ovarian cancer; BRCA1- and BRCA2-Associated Hereditary Breast and Ovarian Cancer; Hereditary breast and ovarian cancer syndrome; Hereditary breast and ovarian cancer; Hereditary breast and/or ovarian cancer syndrome. Identifiers: Orphanet 145, MedGen C0677776, MeSH D061325, MONDO:0003582. Disease mechanism: loss of function.

Allele frequency attached by ClinVar (database versions not stated): gnomAD exomes below 0.00001.

Submission:

Labcorp Genetics (formerly Invitae), Labcorp
Classification: Uncertain significance for Hereditary breast ovarian cancer syndrome. Last evaluated: 2023-03-16. Review status: criteria provided, single submitter. Criteria: Invitae Variant Classification Sherloc (09022015). Collection method: clinical testing. Allele origin: germline.
Comment: This sequence change replaces proline, which is neutral and non-polar, with serine, which is neutral and polar, at codon 334 of the BRCA1 protein (p.Pro334Ser). This variant is not present in population databases (gnomAD no frequency). This variant has not been reported in the literature in individuals affected with BRCA1-related conditions. Advanced modeling of protein sequence and biophysical properties (such as structural, functional, and spatial information, amino acid conservation, physicochemical variation, residue mobility, and thermodynamic stability) performed at Invitae indicates that this missense variant is not expected to disrupt BRCA1 protein function. In summary, the available evidence is currently insufficient to determine the role of this variant in disease. Therefore, it has been classified as a Variant of Uncertain Significance.

NM_007294.4(BRCA1):c.1000C>T (p.Pro334Ser)

Gene: BRCA1 (BRCA1 DNA repair associated; minus strand). Cytogenetic location: 17q21.31.
Variant type: single nucleotide variant.
Coding change: c.1000C>T on transcript NM_007294.4 (MANE Select); coding-DNA position 1000, C replaced by T.
Protein change: p.Pro334Ser; replaces proline 334 with serine.
Molecular consequence: missense variant. On other transcripts: intron variant (137).
Genome position (GRCh38, 1-based): chr17:43,094,531, G>A on the plus strand (C>T on the coding strand, the complement: BRCA1 is on the minus strand). VCF-style: chr17-43094531-G-A. GRCh37 (hg19) VCF-style: chr17-41246548-G-A.
Other names: c.1000C>T, p.Pro334Ser (NM_001407641.1, NM_001407585.1, NM_001407594.1 and 30 more transcripts); c.643+213C>T (NM_001408464.1, NM_001408470.1, NM_001408468.1 and 3 more transcripts); c.523+213C>T (NM_001408498.1, NM_001408501.1, NM_001408500.1 and 3 more transcripts); c.646+213C>T (NM_001408467.1, NM_001408459.1, NM_001408458.1 and 11 more transcripts); c.997C>T, p.Pro333Ser (NM_001407587.1, NM_001407590.1, NM_001407591.1 and 22 more transcripts); c.460+1315C>T (NM_001408506.1, NM_001408507.1); c.577+213C>T (NM_001408481.1, NM_001408480.1, NM_001408492.1 and 9 more transcripts); c.574+213C>T (NM_001408491.1, NM_001408493.1, NM_001408490.1); and 40 more; short protein forms P223S, P266S, P331S, P222S, P245S, P286S, P287S, P333S.
Identifiers: ClinVar variation 2846163 (VCV002846163.3), dbSNP rs1555592700, ClinGen allele CA10600060.